The following is an entry in ClinVar:

ClinVar aggregate classification (germline): Conflicting classifications of pathogenicity. Review status: criteria provided, conflicting classifications (1 of 4 stars). 3 submissions from 3 submitters: Uncertain significance (1); Benign (1); Likely benign (1). Last evaluated 2026-08-25.

Conditions:
Inborn genetic diseases. Identifiers: MedGen C0950123, MeSH D030342.
RAI1-related disorder. Also called: RAI1-related condition.

Allele frequency attached by ClinVar (database versions not stated): gnomAD 0.00001; gnomAD exomes 0.00001; ExAC 0.00002; TOPMed 0.00003.
gnomAD v4.1: 9 of 1,613,304 alleles (0.00056%); highest among the groups gnomAD compares: Admixed American, 0.015%; no homozygotes.

Submissions (3):

PreventionGenetics, part of Exact Sciences
Classification: Uncertain significance for RAI1-related condition. Last evaluated: 2026-08-25. Review status: criteria provided, single submitter. Criteria: ACMG Guidelines, 2015. Collection method: clinical testing. Allele origin: germline.
Comment: The RAI1 c.4547G>C variant is predicted to result in the amino acid substitution p.Cys1516Ser. To our knowledge, this variant has not been reported in the literature. This variant is reported in 0.020% of alleles in individuals of Latino descent in gnomAD, which is likely too common to be a primary cause of disease. Although we suspect that this variant may be benign, at this time, the clinical significance of this variant is uncertain due to the absence of conclusive functional and genetic evidence.

Labcorp Genetics (formerly Invitae), Labcorp
Classification: Benign. Last evaluated: 2025-08-09. Review status: criteria provided, single submitter. Criteria: Invitae Variant Classification Sherloc (09022015). Collection method: clinical testing. Allele origin: germline.

Ambry Genetics
Classification: Likely benign for Inborn genetic diseases. Last evaluated: 2019-06-21. Review status: criteria provided, single submitter. Criteria: Ambry Variant Classification Scheme 2023. Collection method: clinical testing. Allele origin: germline.

NM_030665.4(RAI1):c.4547G>C (p.Cys1516Ser)

Gene: RAI1 (retinoic acid induced 1; plus strand). Cytogenetic location: 17p11.2.
Variant type: single nucleotide variant.
Coding change: c.4547G>C on transcript NM_030665.4 (MANE Select); coding-DNA position 4547, G replaced by C.
Protein change: p.Cys1516Ser; replaces cysteine 1516 with serine.
Molecular consequence: missense variant.
Genome position (GRCh38, 1-based): chr17:17,797,495, G>C. VCF-style: chr17-17797495-G-C. GRCh37 (hg19) VCF-style: chr17-17700809-G-C.
Other names: short protein forms C1516S.
Identifiers: ClinVar variation 1741391 (VCV001741391.7), dbSNP rs761578297, ClinGen allele CA8418978.